The following is an entry in ClinVar:

ClinVar aggregate classification (germline): Pathogenic. Review status: criteria provided, multiple submitters, no conflicts (2 of 4 stars). 2 submissions from 2 submitters: Pathogenic (2). Last evaluated 2025-06-17.

Conditions:
Hereditary cancer-predisposing syndrome. Also called: Neoplastic Syndromes, Hereditary; Tumor predisposition; Hereditary neoplastic syndrome; Hereditary Cancer Syndrome. Identifiers: Orphanet 140162, MedGen C0027672, MeSH D009386, MONDO:0015356.
Cardiovascular phenotype. Identifiers: MedGen CN230736.

Allele frequency attached by ClinVar (database versions not stated): gnomAD 0.00001.

Submissions (2):

Labcorp Genetics (formerly Invitae), Labcorp
Classification: Pathogenic. Last evaluated: 2025-06-17. Review status: criteria provided, single submitter. Criteria: Invitae Variant Classification Sherloc (09022015). Collection method: clinical testing. Allele origin: germline.
Comment: This sequence change creates a premature translational stop signal (p.Met416Cysfs*45) in the LZTR1 gene. It is expected to result in an absent or disrupted protein product. Loss-of-function variants in LZTR1 are known to be pathogenic (PMID: 24362817, 25335493, 25480913, 25795793, 29469822, 30368668, 30442762, 30442766, 30481304, 30859559). This variant is not present in population databases (gnomAD no frequency). This variant has not been reported in the literature in individuals affected with LZTR1-related conditions. ClinVar contains an entry for this variant (Variation ID: 3238042). For these reasons, this variant has been classified as Pathogenic.

Ambry Genetics
Classification: Pathogenic for Cardiovascular phenotype; Hereditary cancer-predisposing syndrome. Last evaluated: 2023-06-09. Review status: criteria provided, single submitter. Criteria: Ambry Variant Classification Scheme 2023. Collection method: clinical testing. Allele origin: germline.
Comment: The c.1246delA pathogenic mutation, located in coding exon 11 of the LZTR1 gene, results from a deletion of one nucleotide at nucleotide position 1246, causing a translational frameshift with a predicted alternate stop codon (p.M416Cfs*45). This variant is considered to be rare based on population cohorts in the Genome Aggregation Database (gnomAD). This alteration is expected to result in loss of function by premature protein truncation or nonsense-mediated mRNA decay. Loss-of-function variants in LZTR1 are related to an increased risk for schwannomas and autosomal recessive Noonan syndrome; however, such associations with autosomal dominant Noonan syndrome have not been observed (Piotrowski A et al. Nat Genet. 2014 Feb;46:182-7; Yamamoto GL et al. J Med Genet. 2015 Jun;52:413-21; Johnston JJ et al. Genet Med. 2018 10;20:1175-1185). Based on the supporting evidence, this variant is pathogenic for an increased risk of LZTR1-related schwannomatosis (SWN) and would be expected to cause autosomal recessive Noonan syndrome when present along with a second pathogenic or likely pathogenic variant on the other allele; however, the association of this alteration with autosomal dominant Noonan syndrome is unlikely.

Literature cited by the submitters: PubMed 24362817 (cited by Labcorp Genetics (formerly Invitae), Labcorp); PubMed 25335493 (cited by Labcorp Genetics (formerly Invitae), Labcorp); PubMed 25480913 (cited by Labcorp Genetics (formerly Invitae), Labcorp); PubMed 25795793 (cited by Labcorp Genetics (formerly Invitae), Labcorp); PubMed 29469822 (cited by Labcorp Genetics (formerly Invitae), Labcorp); PubMed 30368668 (cited by Labcorp Genetics (formerly Invitae), Labcorp); PubMed 30442762 (cited by Labcorp Genetics (formerly Invitae), Labcorp); PubMed 30442766 (cited by Labcorp Genetics (formerly Invitae), Labcorp); PubMed 30481304 (cited by Labcorp Genetics (formerly Invitae), Labcorp); PubMed 30859559 (cited by Labcorp Genetics (formerly Invitae), Labcorp).

NM_006767.4(LZTR1):c.1246del (p.Met416fs)

Gene: LZTR1 (leucine zipper like post translational regulator 1; plus strand). Cytogenetic location: 22q11.21.
Variant type: Deletion.
Coding change: c.1246del on transcript NM_006767.4 (MANE Select); coding-DNA position 1246, one base deleted (A; older notation c.1246delA).
Protein change: p.Met416fs; shifts the reading frame from methionine 416.
Molecular consequence: frameshift variant.
Genome position (GRCh38, 1-based): chr22:20,992,890, A deleted. VCF-style (leftmost placement, unchanged base first): chr22-20992889-GA-G. GRCh37 (hg19) VCF-style: chr22-21347178-GA-G.
Other names: short protein forms M416fs.
Identifiers: ClinVar variation 3238042 (VCV003238042.3), dbSNP rs1924657058.